The following is an entry in ClinVar:

ClinVar aggregate classification (germline): Conflicting classifications of pathogenicity. Review status: criteria provided, conflicting classifications (1 of 4 stars). 5 submissions from 5 submitters: Uncertain significance (2); Benign (1); Likely benign (2). Last evaluated 2025-09-21.

Conditions:
Neuronal ceroid lipofuscinosis. Also called: Neuronal Ceroid Lipofuscinoses. Identifiers: Orphanet 216, Orphanet 79263, MedGen C0027877, MONDO:0016295. Disease mechanism: loss of function.
Ceroid lipofuscinosis, neuronal, 4 (Kufs type) (CLN4). Also called: Ceroid lipofuscinosis, neuronal, 4, Parry type; Neuronal ceroid lipofuscinosis 4B. Identifiers: Orphanet 228343, Orphanet 79262, MedGen C1834207, MONDO:0008083, OMIM 162350.

Allele frequency attached by ClinVar (database versions not stated): ESP Exome Variant Server 0.00008; TOPMed 0.00010.
gnomAD v4.1: 271 of 1,613,992 alleles (0.017%); highest among the groups gnomAD compares: Non-Finnish European, 0.022%; no homozygotes.

Submissions (5):

Labcorp Genetics (formerly Invitae), Labcorp
Classification: Likely benign for Neuronal ceroid lipofuscinosis. Last evaluated: 2025-09-21. Review status: criteria provided, single submitter. Criteria: Invitae Variant Classification Sherloc (09022015). Collection method: clinical testing. Allele origin: germline.

Blueprint Genetics
Classification: Likely benign. Last evaluated: 2023-11-13. Review status: criteria provided, single submitter. Criteria: ACMG Guidelines, 2015. Collection method: clinical testing. Allele origin: germline.

Illumina Laboratory Services, Illumina
Classification: Uncertain significance for Ceroid lipofuscinosis, neuronal, 4 (Kufs type). Last evaluated: 2017-04-27. Review status: criteria provided, single submitter. Criteria: ICSL Variant Classification Criteria 13 December 2019. Collection method: clinical testing. Allele origin: germline.

Eurofins Ntd Llc (ga)
Classification: Uncertain significance. Last evaluated: 2016-05-09. Review status: criteria provided, single submitter. Criteria: EGL Classification Definitions 2015. Collection method: clinical testing. Allele origin: germline. Observed: 1 variant allele, 1 heterozygote.

GeneDx
Classification: Benign. Last evaluated: 2014-11-19. Review status: criteria provided, single submitter. Criteria: GeneDx Variant Classification (06012015). Collection method: clinical testing. Allele origin: germline. Affected: yes.
Comment: This variant is considered likely benign or benign based on one or more of the following criteria: it is a conservative change, it occurs at a poorly conserved position in the protein, it is predicted to be benign by multiple in silico algorithms, and/or has population frequency not consistent with disease.

NM_025219.3(DNAJC5):c.153G>T (p.Pro51=)

Gene: DNAJC5 (DnaJ heat shock protein family (Hsp40) member C5; plus strand). Cytogenetic location: 20q13.33.
Variant type: single nucleotide variant.
Coding change: c.153G>T on transcript NM_025219.3 (MANE Select); coding-DNA position 153, G replaced by T.
Protein change: p.Pro51=; no amino-acid change (proline 51 retained).
Molecular consequence: synonymous variant.
Genome position (GRCh38, 1-based): chr20:63,929,357, G>T. VCF-style: chr20-63929357-G-T. GRCh37 (hg19) VCF-style: chr20-62560710-G-T.
Other names: p.P51P:CCG>CCT.
Identifiers: ClinVar variation 205367 (VCV000205367.24), dbSNP rs151265913, ClinGen allele CA314375.